The following is an entry in ClinVar:

NM_003737.4(DCHS1):c.1798-10C>T

Gene: DCHS1 (dachsous cadherin-related 1; minus strand). Cytogenetic location: 11p15.4.
Variant type: single nucleotide variant.
Coding change: c.1798-10C>T on transcript NM_003737.4 (MANE Select); 10 bases into the intron before coding-DNA position 1798, C replaced by T.
Molecular consequence: intron variant.
Genome position (GRCh38, 1-based): chr11:6,634,316, G>A on the plus strand (C>T on the coding strand, the complement: DCHS1 is on the minus strand). VCF-style: chr11-6634316-G-A. GRCh37 (hg19) VCF-style: chr11-6655547-G-A.
Identifiers: ClinVar variation 712393 (VCV000712393.9), dbSNP rs577182515, ClinGen allele CA5860882.
Genomic context (GRCh38, chr11:6,634,316, plus strand): 5'-GGAATAGGAGAGGAGGCCAAATGGGCCACTATCCGCGTCTGTGGCTGTCACCTAGGGAGA[G>A]GCTGGGGTGAGTGGTGTCCCCTCTTCTTTGCCAGAAAAGCCAGAGGTAGGTGGCCATTAG-3'

ClinVar aggregate classification (germline): Benign. Review status: criteria provided, single submitter (1 of 4 stars). 2 submissions from 2 submitters: Benign (1). 1 of the submissions does not count toward it. Last evaluated 2025-07-14.

Conditions:
DCHS1-related disorder. Also called: DCHS1-related condition.

Allele frequency attached by ClinVar (database versions not stated): gnomAD 0.00001 and 0.00006; TOPMed 0.00003; 1000 Genomes Project 30x 0.00016; 1000 Genomes Project 0.00020; gnomAD exomes 0.00020; ExAC 0.00025.
gnomAD v4.1: 128 of 1,577,210 alleles (0.0081%); highest among the groups gnomAD compares: South Asian, 0.13%; 1 homozygote.

Submissions (2):

Labcorp Genetics (formerly Invitae), Labcorp
Classification: Benign. Last evaluated: 2025-07-14. Review status: criteria provided, single submitter. Criteria: Invitae Variant Classification Sherloc (09022015). Collection method: clinical testing. Allele origin: germline.

PreventionGenetics, part of Exact Sciences
Classification: Likely benign for DCHS1-related condition. Last evaluated: 2023-12-16. Review status: no assertion criteria provided. Collection method: clinical testing. Allele origin: germline. Not counted in ClinVar's aggregate classification.
Comment: This variant is classified as likely benign based on ACMG/AMP sequence variant interpretation guidelines (Richards et al. 2015 PMID: 25741868, with internal and published modifications).